The following is an entry in ClinVar:

NM_017780.4(CHD7):c.3357_3360del (p.Glu1119fs)

Gene: CHD7 (chromodomain helicase DNA binding protein 7; plus strand). Cytogenetic location: 8q12.2.
Variant type: Deletion.
Coding change: c.3357_3360del on transcript NM_017780.4 (MANE Select); coding-DNA positions 3357 to 3360, 4 bases deleted (GGGA; older notation c.3357_3360delGGGA).
Protein change: p.Glu1119fs; shifts the reading frame from glutamic acid 1119.
Molecular consequence: frameshift variant. On other transcripts: intron variant (1).
Genome position (GRCh38, 1-based): chr8:60,823,995-60,823,998, GGGA deleted; deleting any 4 consecutive bases within chr8:60,823,992-60,823,998 gives the same sequence; the c. name uses the placement nearest the transcript's 3' end. VCF-style (leftmost placement, unchanged base first): chr8-60823991-TGGAG-T. GRCh37 (hg19) VCF-style: chr8-61736550-TGGAG-T.
Other names: c.3357_3360delGGGA (NM_017780.2); c.1717-38234_1717-38231del (NM_001316690.1); short protein forms E1119fs.
Identifiers: ClinVar variation 818003 (VCV000818003.2), dbSNP rs1586393639, ClinGen allele CA915945719.

ClinVar aggregate classification (germline): Pathogenic (1 of 4 stars; one submission).

Submission:

GeneDx
Classification: Pathogenic. Last evaluated: 2020-12-31. Review status: criteria provided, single submitter. Criteria: GeneDx Variant Classification Process June 2021. Collection method: clinical testing. Allele origin: germline. Affected: yes.
Comment: Frameshift variant predicted to result in protein truncation or nonsense mediated decay in a gene for which loss-of-function is a known mechanism of disease; Not observed in large population cohorts (Lek et al., 2016; McVean et al., 2012; Exome Variant Server); Has not been previously published as pathogenic or benign to our knowledge